The following is an entry in ClinVar:

ClinVar aggregate classification (germline): Pathogenic (1 of 4 stars; one submission).

Submission:

GeneDx
Classification: Pathogenic. Last evaluated: 2017-05-19. Review status: criteria provided, single submitter. Criteria: GeneDx Variant Classification (06012015). Collection method: clinical testing. Allele origin: germline. Affected: yes.
Comment: The c.3186delC variant in the SHANK3 gene has not been reported previously as a pathogenic variant nor as a benign variant, to our knowledge. This variant causes a frameshift starting with codon Threonine 1063, changes this amino acid to a Proline residue, and creates a premature Stop codon at position 15 of the new reading frame, denoted p.Thr1063ProfsX15. This variant is predicted to cause loss of normal protein function either through protein truncation or nonsense-mediated mRNA decay. The c.3186delC variant is not observed in large population cohorts (Lek et al., 2016; 1000 Genomes Consortium et al., 2015; Exome Variant Server). We interpret c.3186delC as a pathogenic variant.

NM_001372044.2(SHANK3):c.3411del (p.Thr1138fs)

Gene: SHANK3 (SH3 and multiple ankyrin repeat domains 3; plus strand). Cytogenetic location: 22q13.33.
Variant type: Deletion.
Coding change: c.3411del on transcript NM_001372044.2 (MANE Select); coding-DNA position 3411, one base deleted (C; older notation c.3411delC).
Protein change: p.Thr1138fs; shifts the reading frame from threonine 1138.
Molecular consequence: frameshift variant.
Genome position (GRCh38, 1-based): chr22:50,721,019, C deleted; the last of 4 consecutive C bases (chr22:50,721,016-50,721,019); deleting any one gives the same sequence. VCF-style (leftmost placement, unchanged base first): chr22-50721015-GC-G. GRCh37 (hg19) VCF-style: chr22-51159443-GC-G.
Other names: c.3186delC, p.Thr1063Profs (NM_033517.1); short protein forms T1138fs.
Identifiers: ClinVar variation 430176 (VCV000430176.2), dbSNP rs1131691816, ClinGen allele CA645369799.
Genomic context (GRCh38, chr22:50,721,015, plus strand): 5'-GCGCGGATCTGCCATCCCTACAGCCCTCCCGCTCCATCGACGAGCGCCTCCTGGGGACCG[GC>G]CCCACCGCCGGCCGCGACCTGCTGCTGCCCTCCCCGGTGTCTGCCCTGAAGCCGTTGGTC-3'